The following is an entry in ClinVar:

NM_004237.4(TRIP13):c.1204-4C>G

Gene: TRIP13 (thyroid hormone receptor interactor 13; plus strand). Cytogenetic location: 5p15.33.
Variant type: single nucleotide variant.
Coding change: c.1204-4C>G on transcript NM_004237.4 (MANE Select); 4 bases into the intron before coding-DNA position 1204, C replaced by G.
Molecular consequence: intron variant.
Genome position (GRCh38, 1-based): chr5:917,004, C>G. VCF-style: chr5-917004-C-G. GRCh37 (hg19) VCF-style: chr5-917119-C-G.
Identifiers: ClinVar variation 4874149 (VCV004874149.2).

ClinVar aggregate classification (germline): Uncertain significance (1 of 4 stars; one submission).

Submission:

CeGaT Center for Human Genetics Tuebingen
Classification: Uncertain significance. Last evaluated: 2026-04-01. Review status: criteria provided, single submitter. Criteria: CeGaT Center For Human Genetics Tuebingen Variant Classification Criteria Version 2. Collection method: clinical testing. Allele origin: germline. Affected: yes. Observed: 1 variant allele.
Comment: TRIP13: PM2, BP4